The following is an entry in ClinVar:

NM_003801.4(GPAA1):c.1239T>G (p.Ser413Arg)

Gene: GPAA1 (glycosylphosphatidylinositol anchor attachment 1; plus strand). Cytogenetic location: 8q24.3.
Variant type: single nucleotide variant.
Coding change: c.1239T>G on transcript NM_003801.4 (MANE Select); coding-DNA position 1239, T replaced by G.
Protein change: p.Ser413Arg; replaces serine 413 with arginine.
Molecular consequence: missense variant.
Genome position (GRCh38, 1-based): chr8:144,085,117, T>G. VCF-style: chr8-144085117-T-G. GRCh37 (hg19) VCF-style: chr8-145140020-T-G.
Other names: short protein forms S413R.
Identifiers: ClinVar variation 1474515 (VCV001474515.4), dbSNP rs370088989, ClinGen allele CA4933104.

ClinVar aggregate classification (germline): Uncertain significance. Review status: criteria provided, multiple submitters, no conflicts (2 of 4 stars). 2 submissions from 2 submitters: Uncertain significance (2). Last evaluated 2022-08-31.

Allele frequency attached by ClinVar (database versions not stated): gnomAD exomes 0.00004 and 0.00013; ESP Exome Variant Server 0.00008; ExAC 0.00015; gnomAD 0.00041 and 0.00043; TOPMed 0.00042; 1000 Genomes Project 0.00080; 1000 Genomes Project 30x 0.00109.
gnomAD v4.1: 123 of 1,591,978 alleles (0.0077%); highest among the groups gnomAD compares: African/African-American, 0.13%; no homozygotes.

Submissions (2):

Labcorp Genetics (formerly Invitae), Labcorp
Classification: Uncertain significance. Last evaluated: 2022-08-31. Review status: criteria provided, single submitter. Criteria: Invitae Variant Classification Sherloc (09022015). Collection method: clinical testing. Allele origin: germline.
Comment: This sequence change replaces serine, which is neutral and polar, with arginine, which is basic and polar, at codon 413 of the GPAA1 protein (p.Ser413Arg). This variant is present in population databases (rs370088989, gnomAD 0.1%). This variant has not been reported in the literature in individuals affected with GPAA1-related conditions. ClinVar contains an entry for this variant (Variation ID: 1474515). Algorithms developed to predict the effect of missense changes on protein structure and function (SIFT, PolyPhen-2, Align-GVGD) all suggest that this variant is likely to be tolerated. In summary, the available evidence is currently insufficient to determine the role of this variant in disease. Therefore, it has been classified as a Variant of Uncertain Significance.

Breakthrough Genomics
Classification: Uncertain significance. Review status: criteria provided, single submitter. Criteria: ACMG Guidelines, 2015. Collection method: not provided. Allele origin: germline. Inheritance: Autosomal recessive inheritance. Affected: yes.